The following is an entry in ClinVar:

ClinVar aggregate classification (germline): Pathogenic (1 of 4 stars; one submission).

Submission:

Labcorp Genetics (formerly Invitae), Labcorp
Classification: Pathogenic. Last evaluated: 2022-06-08. Review status: criteria provided, single submitter. Criteria: Invitae Variant Classification Sherloc (09022015). Collection method: clinical testing. Allele origin: germline.
Comment: For these reasons, this variant has been classified as Pathogenic. A similar copy number variant has been observed in individuals with autosomal recessive spinocerebellar ataxia (PMID: 24078737, 25122145, 28856174). This variant is a gross deletion of the genomic region encompassing exon(s) 2 of the GRID2 gene. This variant would be expected to be in-frame, preserving the integrity of the reading frame.

Literature cited by the submitters: PubMed 24078737; PubMed 25122145; PubMed 28856174.

NC_000004.11:g.(?_93511262)_(93511457_?)del

Gene: GRID2 (glutamate ionotropic receptor delta type subunit 2; plus strand). Cytogenetic location: 4q22.1.
Variant type: Deletion.
Identifiers: ClinVar variation 2424191 (VCV002424191.4).